The following is an entry in ClinVar:

ClinVar aggregate classification (germline): Uncertain significance (1 of 4 stars; one submission).

gnomAD v4.1: 2 of 1,600,138 alleles (0.00012%); highest among the groups gnomAD compares: Non-Finnish European, 0.00017%; no homozygotes.

Submission:

Labcorp Genetics (formerly Invitae), Labcorp
Classification: Uncertain significance. Last evaluated: 2025-07-28. Review status: criteria provided, single submitter. Criteria: Invitae Variant Classification Sherloc (09022015). Collection method: clinical testing. Allele origin: germline.
Comment: This sequence change replaces proline, which is neutral and non-polar, with leucine, which is neutral and non-polar, at codon 1481 of the TUBGCP6 protein (p.Pro1481Leu). This variant is not present in population databases (gnomAD no frequency). This variant has not been reported in the literature in individuals affected with TUBGCP6-related conditions. ClinVar contains an entry for this variant (Variation ID: 1389748). An algorithm developed to predict the effect of missense changes on protein structure and function (PolyPhen-2) suggests that this variant is likely to be disruptive. In summary, the available evidence is currently insufficient to determine the role of this variant in disease. Therefore, it has been classified as a Variant of Uncertain Significance.

NM_020461.4(TUBGCP6):c.4442C>T (p.Pro1481Leu)

Gene: TUBGCP6 (tubulin gamma complex component 6; minus strand). Cytogenetic location: 22q13.33.
Variant type: single nucleotide variant.
Coding change: c.4442C>T on transcript NM_020461.4 (MANE Select); coding-DNA position 4442, C replaced by T.
Protein change: p.Pro1481Leu; replaces proline 1481 with leucine.
Molecular consequence: missense variant.
Genome position (GRCh38, 1-based): chr22:50,219,330, G>A on the plus strand (C>T on the coding strand, the complement: TUBGCP6 is on the minus strand). VCF-style: chr22-50219330-G-A. GRCh37 (hg19) VCF-style: chr22-50657759-G-A.
Other names: short protein forms P1481L.
Identifiers: ClinVar variation 1389748 (VCV001389748.6), dbSNP rs746197836, ClinGen allele CA412171479.